The following is an entry in ClinVar:

NM_002180.3(IGHMBP2):c.1236-10C>T

Gene: IGHMBP2 (immunoglobulin mu DNA binding protein 2; plus strand). Cytogenetic location: 11q13.3.
Variant type: single nucleotide variant.
Coding change: c.1236-10C>T on transcript NM_002180.3 (MANE Select); 10 bases into the intron before coding-DNA position 1236, C replaced by T.
Molecular consequence: intron variant.
Genome position (GRCh38, 1-based): chr11:68,933,289, C>T. VCF-style: chr11-68933289-C-T. GRCh37 (hg19) VCF-style: chr11-68700757-C-T.
Identifiers: ClinVar variation 391058 (VCV000391058.15), dbSNP rs778515935, ClinGen allele CA6153581.

ClinVar aggregate classification (germline): Conflicting classifications of pathogenicity. Review status: criteria provided, conflicting classifications (1 of 4 stars). 3 submissions from 3 submitters: Uncertain significance (1); Likely benign (2). Last evaluated 2025-12-19.

Conditions:
Autosomal recessive distal spinal muscular atrophy 1. Also called: NEURONOPATHY, SEVERE INFANTILE AXONAL, WITH RESPIRATORY FAILURE; SEVERE INFANTILE AXONAL NEUROPATHY WITH RESPIRATORY FAILURE; SPINAL MUSCULAR ATROPHY, DIAPHRAGMATIC; Spinal muscular atrophy with respiratory distress 1; HMN VI; NEURONOPATHY, DISTAL HEREDITARY MOTOR, HARDING TYPE VI. Identifiers: Orphanet 98920, MedGen C1858517, MONDO:0011436, OMIM 604320.
Charcot-Marie-Tooth disease axonal type 2S. Also called: CHARCOT-MARIE-TOOTH NEUROPATHY, TYPE 2S; CHARCOT-MARIE-TOOTH DISEASE, AXONAL, AUTOSOMAL RECESSIVE, TYPE 2S. Identifiers: Orphanet 443073, MedGen C4015349, MONDO:0014511, OMIM 616155.

Allele frequency attached by ClinVar (database versions not stated): TOPMed 0.00001; gnomAD exomes 0.00008; ExAC 0.00010.
gnomAD v4.1: 89 of 1,610,234 alleles (0.0055%); highest among the groups gnomAD compares: Middle Eastern, 0.083%; no homozygotes.

Submissions (3):

Labcorp Genetics (formerly Invitae), Labcorp
Classification: Likely benign for Autosomal recessive distal spinal muscular atrophy 1; Charcot-Marie-Tooth disease axonal type 2S. Last evaluated: 2025-12-19. Review status: criteria provided, single submitter. Criteria: Invitae Variant Classification Sherloc (09022015). Collection method: clinical testing. Allele origin: germline.

Illumina Laboratory Services, Illumina
Classification: Uncertain significance for Autosomal recessive distal spinal muscular atrophy 1. Last evaluated: 2018-03-23. Review status: criteria provided, single submitter. Criteria: ICSL Variant Classification Criteria 13 December 2019. Collection method: clinical testing. Allele origin: germline.

GeneDx
Classification: Likely benign. Last evaluated: 2016-11-17. Review status: criteria provided, single submitter. Criteria: GeneDx Variant Classification (06012015). Collection method: clinical testing. Allele origin: germline. Affected: yes.
Comment: This variant is considered likely benign or benign based on one or more of the following criteria: it is a conservative change, it occurs at a poorly conserved position in the protein, it is predicted to be benign by multiple in silico algorithms, and/or has population frequency not consistent with disease.